The following is an entry in ClinVar:

NM_012210.4(TRIM32):c.1153G>A (p.Val385Ile)

Genes: ASTN2 (astrotactin 2; minus strand), TRIM32 (tripartite motif containing 32; plus strand). Cytogenetic location: 9q33.1.
Variant type: single nucleotide variant.
Coding change: c.1153G>A on transcript NM_012210.4 (MANE Select); coding-DNA position 1153, G replaced by A.
Protein change: p.Val385Ile; replaces valine 385 with isoleucine.
Molecular consequence: missense variant. On other transcripts: intron variant (3).
Genome position (GRCh38, 1-based): chr9:116,698,895, G>A. VCF-style: chr9-116698895-G-A. GRCh37 (hg19) VCF-style: chr9-119461174-G-A.
Other names: c.1153G>A, p.Val385Ile (NM_001099679.2, NM_001379048.1, NM_001379049.1 and 1 more transcripts); c.2653+26876C>T (NM_014010.5); c.2794+26876C>T (NM_001365069.1); c.2806+26876C>T (NM_001365068.1); short protein forms V385I.
Identifiers: ClinVar variation 1469333 (VCV001469333.7), dbSNP rs1564217317, ClinGen allele CA374651070.

ClinVar aggregate classification (germline): Uncertain significance. Review status: criteria provided, multiple submitters, no conflicts (2 of 4 stars). 2 submissions from 2 submitters: Uncertain significance (2). Last evaluated 2023-12-24.

Conditions:
Sarcotubular myopathy (LGMDR8). Also called: MUSCULAR DYSTROPHY, LIMB-GIRDLE, AUTOSOMAL RECESSIVE 8; Autosomal recessive limb-girdle muscular dystrophy type 2H; Hutterite type of muscular dystrophy; Limb-girdle muscular dystrophy, type 2H. Identifiers: Orphanet 1878, MedGen C0270968, MONDO:0009683, OMIM 254110.
Bardet-Biedl syndrome 11 (BBS11). Identifiers: Orphanet 110, MedGen C1859569, MONDO:0014439, OMIM 615988.
Bardet-Biedl syndrome (BBS). Identifiers: Orphanet 110, MedGen C0752166, MONDO:0015229.

Allele frequency attached by ClinVar (database versions not stated): gnomAD 0.00001; gnomAD exomes 0.00001.
gnomAD v4.1: 16 of 1,614,122 alleles (0.00099%); highest among the groups gnomAD compares: Non-Finnish European, 0.0014%; no homozygotes.

Submissions (2):

Fulgent Genetics
Classification: Uncertain significance for Sarcotubular myopathy; Bardet-Biedl syndrome 11. Last evaluated: 2023-12-24. Review status: criteria provided, single submitter. Criteria: ACMG Guidelines, 2015. Collection method: clinical testing. Allele origin: germline.

Labcorp Genetics (formerly Invitae), Labcorp
Classification: Uncertain significance for Bardet-Biedl syndrome. Last evaluated: 2023-10-03. Review status: criteria provided, single submitter. Criteria: Invitae Variant Classification Sherloc (09022015). Collection method: clinical testing. Allele origin: germline.
Comment: This sequence change replaces valine, which is neutral and non-polar, with isoleucine, which is neutral and non-polar, at codon 385 of the TRIM32 protein (p.Val385Ile). This variant is not present in population databases (gnomAD no frequency). This variant has not been reported in the literature in individuals affected with TRIM32-related conditions. ClinVar contains an entry for this variant (Variation ID: 1469333). An algorithm developed to predict the effect of missense changes on protein structure and function (PolyPhen-2) suggests that this variant is likely to be tolerated. In summary, the available evidence is currently insufficient to determine the role of this variant in disease. Therefore, it has been classified as a Variant of Uncertain Significance.